The following is an entry in ClinVar:

NM_013382.7(POMT2):c.2033-20G>A

Gene: POMT2 (protein O-mannosyltransferase 2; minus strand). Cytogenetic location: 14q24.3.
Variant type: single nucleotide variant.
Coding change: c.2033-20G>A on transcript NM_013382.7 (MANE Select); 20 bases into the intron before coding-DNA position 2033, G replaced by A.
Molecular consequence: intron variant.
Genome position (GRCh38, 1-based): chr14:77,278,528, C>T on the plus strand (G>A on the coding strand, the complement: POMT2 is on the minus strand). VCF-style: chr14-77278528-C-T. GRCh37 (hg19) VCF-style: chr14-77744871-C-T.
Identifiers: ClinVar variation 391538 (VCV000391538.4), dbSNP rs1057524128, ClinGen allele CA16606587.

ClinVar aggregate classification (germline): Likely benign. Review status: criteria provided, multiple submitters, no conflicts (2 of 4 stars). 2 submissions from 2 submitters: Likely benign (2). Last evaluated 2023-05-16.

Conditions:
Muscular dystrophy-dystroglycanopathy (congenital with brain and eye anomalies), type A2. Also called: MUSCULAR DYSTROPHY-DYSTROGLYCANOPATHY (CONGENITAL WITH BRAIN AND EYE ANOMALIES), TYPE A, 2; WALKER-WARBURG SYNDROME OR MUSCLE-EYE-BRAIN DISEASE, POMT2-RELATED. Identifiers: Orphanet 588, Orphanet 899, MedGen C3150411, MONDO:0013154, OMIM 613150.
Muscular dystrophy-dystroglycanopathy (congenital with impaired intellectual development), type B, 2. Also called: Muscular dystrophy-dystroglycanopathy (congenital with intellectual disability), type B2; MUSCULAR DYSTROPHY, CONGENITAL, POMT2-RELATED. Identifiers: MedGen C3150416, MONDO:0013160, OMIM 613156.
Autosomal recessive limb-girdle muscular dystrophy type 2N. Also called: MUSCULAR DYSTROPHY-DYSTROGLYCANOPATHY, LIMB-GIRDLE, POMT2-RELATED; Muscular dystrophy-dystroglycanopathy (limb-girdle), type C, 2. Identifiers: Orphanet 206559, MedGen C3150418, MONDO:0013162, OMIM 613158.

Allele frequency attached by ClinVar (database versions not stated): TOPMed below 0.00001; gnomAD 0.00001; gnomAD exomes 0.00001.
gnomAD v4.1: 8 of 1,458,822 alleles (0.00055%); highest among the groups gnomAD compares: Non-Finnish European, 0.00075%; no homozygotes.

Submissions (2):

Labcorp Genetics (formerly Invitae), Labcorp
Classification: Likely benign for Muscular dystrophy-dystroglycanopathy (congenital with impaired intellectual development), type B, 2; Muscular dystrophy-dystroglycanopathy (congenital with brain and eye anomalies), type A2; Autosomal recessive limb-girdle muscular dystrophy type 2N. Last evaluated: 2023-05-16. Review status: criteria provided, single submitter. Criteria: Invitae Variant Classification Sherloc (09022015). Collection method: clinical testing. Allele origin: germline.

GeneDx
Classification: Likely benign. Last evaluated: 2016-12-15. Review status: criteria provided, single submitter. Criteria: GeneDx Variant Classification (06012015). Collection method: clinical testing. Allele origin: germline. Affected: yes.
Comment: This variant is considered likely benign or benign based on one or more of the following criteria: it is a conservative change, it occurs at a poorly conserved position in the protein, it is predicted to be benign by multiple in silico algorithms, and/or has population frequency not consistent with disease.